The following is an entry in ClinVar:

ClinVar aggregate classification (germline): Uncertain significance (1 of 4 stars; one submission).

Submission:

Labcorp Genetics (formerly Invitae), Labcorp
Classification: Uncertain significance. Last evaluated: 2024-03-30. Review status: criteria provided, single submitter. Criteria: Invitae Variant Classification Sherloc (09022015). Collection method: clinical testing. Allele origin: germline.
Comment: This sequence change replaces serine, which is neutral and polar, with glycine, which is neutral and non-polar, at codon 2512 of the DCHS1 protein (p.Ser2512Gly). This variant is not present in population databases (gnomAD no frequency). This variant has not been reported in the literature in individuals affected with DCHS1-related conditions. Advanced modeling of protein sequence and biophysical properties (such as structural, functional, and spatial information, amino acid conservation, physicochemical variation, residue mobility, and thermodynamic stability) performed at Invitae indicates that this missense variant is not expected to disrupt DCHS1 protein function with a negative predictive value of 80%. In summary, the available evidence is currently insufficient to determine the role of this variant in disease. Therefore, it has been classified as a Variant of Uncertain Significance.

NM_003737.4(DCHS1):c.7534A>G (p.Ser2512Gly)

Gene: DCHS1 (dachsous cadherin-related 1; minus strand). Cytogenetic location: 11p15.4.
Variant type: single nucleotide variant.
Coding change: c.7534A>G on transcript NM_003737.4 (MANE Select); coding-DNA position 7534, A replaced by G.
Protein change: p.Ser2512Gly; replaces serine 2512 with glycine.
Molecular consequence: missense variant.
Genome position (GRCh38, 1-based): chr11:6,624,142, T>C on the plus strand (A>G on the coding strand, the complement: DCHS1 is on the minus strand). VCF-style: chr11-6624142-T-C. GRCh37 (hg19) VCF-style: chr11-6645373-T-C.
Other names: short protein forms S2512G.
Identifiers: ClinVar variation 3610568 (VCV003610568.2).